The following is an entry in ClinVar:

ClinVar aggregate classification (germline): Uncertain significance (1 of 4 stars; one submission).

Conditions:
Hermansky-Pudlak syndrome 2 (HPS2). Also called: Platelet defects and oculocutaneous albinism. Identifiers: Orphanet 183678, Orphanet 79430, MedGen C1842362, MONDO:0011997, OMIM 608233.

Allele frequency attached by ClinVar (database versions not stated): gnomAD exomes below 0.00001 and 0.00001; ExAC 0.00001; TOPMed 0.00001; gnomAD 0.00002; ESP Exome Variant Server 0.00008.
gnomAD v4.1: 7 of 1,609,912 alleles (0.00043%); highest among the groups gnomAD compares: African/African-American, 0.0013%; no homozygotes.

Submission:

Labcorp Genetics (formerly Invitae), Labcorp
Classification: Uncertain significance for Hermansky-Pudlak syndrome 2. Last evaluated: 2022-08-13. Review status: criteria provided, single submitter. Criteria: Invitae Variant Classification Sherloc (09022015). Collection method: clinical testing. Allele origin: germline.
Comment: This variant has not been reported in the literature in individuals affected with AP3B1-related conditions. In summary, the available evidence is currently insufficient to determine the role of this variant in disease. Therefore, it has been classified as a Variant of Uncertain Significance. Algorithms developed to predict the effect of missense changes on protein structure and function output the following: SIFT: "Tolerated"; PolyPhen-2: "Benign"; Align-GVGD: "Class C0". The glutamic acid amino acid residue is found in multiple mammalian species, which suggests that this missense change does not adversely affect protein function. ClinVar contains an entry for this variant (Variation ID: 1047421). The frequency data for this variant in the population databases is considered unreliable, as metrics indicate poor data quality at this position in the gnomAD database. This sequence change replaces lysine, which is basic and polar, with glutamic acid, which is acidic and polar, at codon 763 of the AP3B1 protein (p.Lys763Glu).

NM_003664.5(AP3B1):c.2287A>G (p.Lys763Glu)

Gene: AP3B1 (adaptor related protein complex 3 subunit beta 1; minus strand). Cytogenetic location: 5q14.1.
Variant type: single nucleotide variant.
Coding change: c.2287A>G on transcript NM_003664.5 (MANE Select); coding-DNA position 2287, A replaced by G.
Protein change: p.Lys763Glu; replaces lysine 763 with glutamic acid.
Molecular consequence: missense variant.
Genome position (GRCh38, 1-based): chr5:78,110,317, T>C on the plus strand (A>G on the coding strand, the complement: AP3B1 is on the minus strand). VCF-style: chr5-78110317-T-C. GRCh37 (hg19) VCF-style: chr5-77406141-T-C.
Other names: c.2140A>G, p.Lys714Glu (NM_001271769.2); short protein forms K763E, K714E.
Identifiers: ClinVar variation 1047421 (VCV001047421.8), dbSNP rs151082743, ClinGen allele CA3316812.
Genomic context (GRCh38, chr5:78,110,317, plus strand): 5'-CAGAATCGGAAGAACTGTCTTCTATTGAACTAGATTCGTCATTTGAAGAATCTGAAGTTT[T>C]AGATTTTTCATTTTCCTTCTCCCCATCTTCAGAATCACTACACATAATAGTAAATTTTGA-3'
Protein context (NP_003655.3, residues 753-773): EDGEKENEKS[Lys763Glu]TSDSSNDESS